The following is an entry in ClinVar:

ClinVar aggregate classification (germline): Conflicting classifications of pathogenicity. Review status: criteria provided, conflicting classifications (1 of 4 stars). 7 submissions from 7 submitters: Likely pathogenic (6); Uncertain significance (1). Last evaluated 2025-10-17.

Conditions:
ETFA-related disorders.
Glutaric acidemia type 2A.
Multiple acyl-CoA dehydrogenase deficiency (MADD). Also called: Glutaric Acidemia type 2; Glutaric aciduria, type 2; Glutaric acidemia type II; GA 2; ETHYLMALONIC-ADIPICACIDURIA; GA II. Identifiers: Orphanet 26791, MedGen C0268596, MONDO:0009282, OMIM 231680.

Allele frequency attached by ClinVar (database versions not stated): gnomAD 0.00001; TOPMed 0.00003; ExAC 0.00006; gnomAD exomes 0.00002 and 0.00005.

Submissions (7):

Greenwood Genetic Center Diagnostic Laboratories, Greenwood Genetic Center
Classification: Likely pathogenic for Multiple acyl-CoA dehydrogenase deficiency. Last evaluated: 2025-10-17. Review status: criteria provided, single submitter. Criteria: ACMG Guidelines, 2015. Collection method: clinical testing. Allele origin: germline. Affected: yes.
Comment: PVS1, PM2

Natera, Inc.
Classification: Likely pathogenic for Glutaric acidemia type 2A. Last evaluated: 2025-06-20. Review status: criteria provided, single submitter. Criteria: Natera Variant Classification Schema (03/2026). Collection method: clinical testing. Allele origin: germline.
Comment: The c.2T>C variant in ETFA is predicted to result in start loss due to disruption of the initiator methionine. This variant is expected to result in nonsense mediated decay, truncation, or a dysfunctional protein product. This variant is rare in the general population with a frequency below the threshold expected for the associated phenotype(s). Given the available evidence, this variant is classified as Likely Pathogenic.

Fulgent Genetics
Classification: Likely pathogenic for Multiple acyl-CoA dehydrogenase deficiency. Last evaluated: 2024-04-18. Review status: criteria provided, single submitter. Criteria: ACMG Guidelines, 2015. Collection method: clinical testing. Allele origin: germline.

Blueprint Genetics
Classification: Likely pathogenic for ETFA-related disorders. Last evaluated: 2022-12-14. Review status: criteria provided, single submitter. Criteria: ACMG Guidelines, 2015. Collection method: clinical testing. Allele origin: germline. Affected: yes. Observed: 3 variant alleles.

Labcorp Genetics (formerly Invitae), Labcorp
Classification: Uncertain significance for Multiple acyl-CoA dehydrogenase deficiency. Last evaluated: 2022-02-08. Review status: criteria provided, single submitter. Criteria: Invitae Variant Classification Sherloc (09022015). Collection method: clinical testing. Allele origin: germline.
Comment: This sequence change affects the initiator methionine of the ETFA mRNA. The next in-frame methionine is located at codon 261. The frequency data for this variant in the population databases is considered unreliable, as metrics indicate poor data quality at this position in the gnomAD database. Disruption of the initiator codon has been observed in individual(s) with glutaric aciduria type 2 (PMID: 33768790). ClinVar contains an entry for this variant (Variation ID: 167039). This variant disrupts a region of the ETFA protein in which other variant(s) (p.Arg122Lys) have been observed in individuals with ETFA-related conditions (PMID: 16510302). This suggests that this is a clinically significant region of the protein, and that variants that disrupt it are likely to be disease-causing. In summary, the available evidence is currently insufficient to determine the role of this variant in disease. Therefore, it has been classified as a Variant of Uncertain Significance.

GeneDx
Classification: Likely pathogenic. Last evaluated: 2019-08-09. Review status: criteria provided, single submitter. Criteria: GeneDx Variant Classification Process June 2021. Collection method: clinical testing. Allele origin: germline. Affected: yes.
Comment: Has not been previously published as pathogenic or benign to our knowledge; Not observed at a significant frequency in large population cohorts (Lek et al., 2016); Initiation codon variant in a gene for which loss-of-function is a known mechanism of disease

Eurofins Ntd Llc (ga)
Classification: Likely pathogenic. Last evaluated: 2014-01-17. Review status: criteria provided, single submitter. Criteria: EGL Classification Definitions. Collection method: clinical testing. Allele origin: germline. Observed: 1 variant allele, 1 heterozygote.

Literature cited by the submitters: PubMed 33768790 (cited by Labcorp Genetics (formerly Invitae), Labcorp); PubMed 16510302 (cited by Labcorp Genetics (formerly Invitae), Labcorp).

NM_000126.4(ETFA):c.2T>C (p.Met1Thr)

Gene: ETFA (electron transfer flavoprotein subunit alpha; minus strand). Cytogenetic location: 15q24.3.
Variant type: single nucleotide variant.
Coding change: c.2T>C on transcript NM_000126.4 (MANE Select); coding-DNA position 2, T replaced by C.
Protein change: p.Met1Thr; changes the start codon (methionine 1).
Molecular consequence: missense variant, initiator codon variant.
Genome position (GRCh38, 1-based): chr15:76,311,387, A>G on the plus strand (T>C on the coding strand, the complement: ETFA is on the minus strand). VCF-style: chr15-76311387-A-G. GRCh37 (hg19) VCF-style: chr15-76603728-A-G.
Other names: p.M1T:ATG>ACG; c.2T>C, p.Met1Thr (NM_001127716.2); short protein forms M1T.
Identifiers: ClinVar variation 167039 (VCV000167039.17), dbSNP rs727503918, ClinGen allele CA295613.